The following is an entry in ClinVar:

NM_001042492.3(NF1):c.6147G>T (p.Lys2049Asn)

Gene: NF1 (neurofibromin 1; plus strand). Cytogenetic location: 17q11.2.
Variant type: single nucleotide variant.
Coding change: c.6147G>T on transcript NM_001042492.3 (MANE Select); coding-DNA position 6147, G replaced by T.
Protein change: p.Lys2049Asn; replaces lysine 2049 with asparagine.
Molecular consequence: missense variant.
Genome position (GRCh38, 1-based): chr17:31,336,473, G>T. VCF-style: chr17-31336473-G-T. GRCh37 (hg19) VCF-style: chr17-29663491-G-T.
Other names: c.6084G>T, p.Lys2028Asn (NM_000267.4); short protein forms K2049N, K2028N.
Identifiers: ClinVar variation 3650306 (VCV003650306.2).
Genomic context (GRCh38, chr17:31,336,473, plus strand): 5'-GGTGATGGCAGATACTGCTGTAGCTTTGGCTTCTGGAAATGTGAAATTGGTTTCAAGCAA[G>T]GTAATCACTTTTCTTTTGCCTTCTGTACTATAGCATATCTGTTTTATCATCAGGAGGTTT-3'
Protein context (NP_001035957.1, residues 2039-2059): ASGNVKLVSS[Lys2049Asn]VIGRMCKIID

ClinVar aggregate classification (germline): Uncertain significance (1 of 4 stars; one submission).

Conditions:
Neurofibromatosis, type 1 (NF1). Also called: Peripheral type neurofibromatosis; VON RECKLINGHAUSEN DISEASE; Neurofibromatosis, type I; NEUROFIBROMATOSIS, TYPE I, SOMATIC. Identifiers: Orphanet 636, MedGen C0027831, MONDO:0018975, OMIM 162200. Disease mechanism: loss of function.

Submission:

Labcorp Genetics (formerly Invitae), Labcorp
Classification: Uncertain significance for Neurofibromatosis, type 1. Last evaluated: 2024-04-17. Review status: criteria provided, single submitter. Criteria: Invitae Variant Classification Sherloc (09022015). Collection method: clinical testing. Allele origin: germline.
Comment: This sequence change replaces lysine, which is basic and polar, with asparagine, which is neutral and polar, at codon 2028 of the NF1 protein (p.Lys2028Asn). This variant also falls at the last nucleotide of exon 40, which is part of the consensus splice site for this exon. This variant is not present in population databases (gnomAD no frequency). This missense change has been observed in individual(s) with neurofibromatosis type 1 (PMID: 26740943). An algorithm developed to predict the effect of missense changes on protein structure and function (PolyPhen-2) suggests that this variant is likely to be disruptive. Variants that disrupt the consensus splice site are a relatively common cause of aberrant splicing (PMID: 17576681, 9536098). Algorithms developed to predict the effect of sequence changes on RNA splicing suggest that this variant may disrupt the consensus splice site. In summary, the available evidence is currently insufficient to determine the role of this variant in disease. Therefore, it has been classified as a Variant of Uncertain Significance.

Literature cited by the submitters: PubMed 26740943; PubMed 17576681; PubMed 9536098.